The following is an entry in ClinVar:

ClinVar aggregate classification (germline): Benign. Review status: criteria provided, multiple submitters, no conflicts (2 of 4 stars). 19 submissions from 19 submitters: Benign (15). 4 of the submissions do not count toward it. Last evaluated 2026-02-04.

Conditions:
Cardiovascular phenotype. Identifiers: MedGen CN230736.
Familial isolated arrhythmogenic right ventricular dysplasia. Identifiers: Orphanet 217656, MedGen C4274968, MONDO:0016342.
Arrhythmogenic right ventricular cardiomyopathy (ARVD). Also called: Cardiomyopathy, ARVC; Arrhythmogenic cardiomyopathy; Arrhythmogenic right ventricular dysplasia; Arrhythmogenic Right Ventricular Cardiomyopathy (ARVC). Identifiers: Orphanet 247, MedGen C0349788, MeSH D019571, MONDO:0016587. Disease mechanism: loss of function. Inheritance: Various modes of inheritance.
Cardiomyopathy (CMYO). Also called: Cardiomyopathies. Identifiers: Orphanet 167848, MedGen C0878544, MONDO:0004994, HP:0001638. Inheritance: Various modes of inheritance.
Arrhythmogenic right ventricular dysplasia 11. Also called: ARRHYTHMOGENIC RIGHT VENTRICULAR DYSPLASIA, FAMILIAL, 11; Arrhythmogenic right ventricular dysplasia 11 with mild palmoplantar keratoderma and woolly hair; Arrhythmogenic Right Ventricular Dysplasia/Cardiomyopathy11. Identifiers: MedGen C1864850, MONDO:0012506, OMIM 610476.

Allele frequency attached by ClinVar (database versions not stated): 1000 Genomes Project 30x 0.02670; 1000 Genomes Project 0.02756; TOPMed 0.02922; ESP Exome Variant Server 0.03421.
gnomAD v4.1: 73,921 of 1,613,980 alleles (4.6%); highest among the groups gnomAD compares: South Asian, 7.7%; 2,177 homozygotes.

Submissions (19):

Labcorp Genetics (formerly Invitae), Labcorp
Classification: Benign for Arrhythmogenic right ventricular dysplasia 11. Last evaluated: 2026-02-04. Review status: criteria provided, single submitter. Criteria: Invitae Variant Classification Sherloc (09022015). Collection method: clinical testing. Allele origin: germline.

Molecular Diagnostic Laboratory for Inherited Cardiovascular Disease, Montreal Heart Institute
Classification: Benign. Last evaluated: 2025-04-08. Review status: criteria provided, single submitter. Criteria: ACMG Guidelines, 2015. Collection method: clinical testing. Allele origin: germline. Affected: no.

Blueprint Genetics
Classification: Benign. Last evaluated: 2024-11-28. Review status: criteria provided, single submitter. Criteria: ACMG Guidelines, 2015. Collection method: clinical testing. Allele origin: germline.

All of Us Research Program, National Institutes of Health
Classification: Benign for Familial isolated arrhythmogenic right ventricular dysplasia. Last evaluated: 2024-02-05. Review status: criteria provided, single submitter. Criteria: ACMG Guidelines, 2015. Collection method: clinical testing. Allele origin: germline. Inheritance: Autosomal dominant inheritance. Observed: 8,190 variant alleles, 7,996 heterozygotes, 194 homozygotes.
Comment: This study involves interpretation of variants in research participants for the purpose of population health screening. Participant phenotype was not available at the time of variant classification. Additional details can be found in publication PMID: 35346344, PMCID: PMC8962531

Color Diagnostics, LLC DBA Color Health
Classification: Benign for Cardiomyopathy. Last evaluated: 2018-03-19. Review status: criteria provided, single submitter. Criteria: ACMG Guidelines, 2015. Collection method: clinical testing. Allele origin: germline.

Illumina Laboratory Services, Illumina
Classification: Benign for Arrhythmogenic right ventricular dysplasia 11. Last evaluated: 2018-03-06. Review status: criteria provided, single submitter. Criteria: ICSL Variant Classification Criteria 13 December 2019. Collection method: clinical testing. Allele origin: germline.
Comment: This variant was observed in the ICSL laboratory as part of a predisposition screen in an ostensibly healthy population. It had not been previously curated by ICSL or reported in the Human Gene Mutation Database (HGMD: prior to June 1st, 2018), and was therefore a candidate for classification through an automated scoring system. Utilizing variant allele frequency, disease prevalence and penetrance estimates, and inheritance mode, an automated score was calculated to assess if this variant is too frequent to cause the disease. Based on the score and internal cut-off values, a variant classified as benign is not then subjected to further curation. The score for this variant resulted in a classification of benign for this disease.

Clinical Genetics DNA and cytogenetics Diagnostics Lab, Erasmus MC, Erasmus Medical Center
Classification: Benign for Arrhythmogenic right ventricular dysplasia 11. Last evaluated: 2015-09-21. Review status: criteria provided, single submitter. Criteria: ACGS Guidelines, 2013. Collection method: clinical testing. Allele origin: germline. Affected: yes. Study: VKGL Data-share Consensus.

Ambry Genetics
Classification: Benign for Cardiovascular phenotype. Last evaluated: 2015-06-21. Review status: criteria provided, single submitter. Criteria: Ambry Variant Classification Scheme 2023. Collection method: clinical testing. Allele origin: germline.

GeneDx
Classification: Benign. Last evaluated: 2015-03-03. Review status: criteria provided, single submitter. Criteria: GeneDx Variant Classification Process June 2021. Collection method: clinical testing. Allele origin: germline. Affected: yes.

Genome Diagnostics Laboratory, University Medical Center Utrecht
Classification: Benign for Arrhythmogenic right ventricular dysplasia 11. Last evaluated: 2014-10-09. Review status: criteria provided, single submitter. Criteria: ACGS Guidelines, 2013. Collection method: clinical testing. Allele origin: germline. Affected: yes. Study: VKGL Data-share Consensus.

Mayo Clinic Laboratories, Mayo Clinic
Classification: Benign. Last evaluated: 2014-05-07. Review status: criteria provided, single submitter. Criteria: ACMG Guidelines, 2015. Collection method: clinical testing. Allele origin: germline. Observed: 96 variant alleles.

Biesecker Lab/Clinical Genomics Section, National Institutes of Health
Classification: Benign. Last evaluated: 2013-06-24. Review status: criteria provided, single submitter. Criteria: Ng et al. (Circ Cardiovasc Genet. 2013). Collection method: research. Allele origin: unknown. Observed: 65 variant alleles. Study: ClinSeq.
Comment: The study set was not selected for affection status in relation to any cancer. Pathogenicity categories were based on literature curation. See Pubmed ID:23861362 for details.

Medical sequencing

Laboratory for Molecular Medicine, Mass General Brigham Personalized Medicine
Classification: Benign. Last evaluated: 2010-05-03. Review status: criteria provided, single submitter. Criteria: LMM Criteria. Collection method: clinical testing. Allele origin: germline. Observed: 166 variant alleles.
Comment: Classified as benign due to high allele frequency reported in literature (Posch et al. 2008; 7.2%)

Breakthrough Genomics
Classification: Benign. Review status: criteria provided, single submitter. Criteria: ACMG Guidelines, 2015. Collection method: not provided. Allele origin: germline. Inheritance: Autosomal dominant inheritance. Affected: yes.

PreventionGenetics, part of Exact Sciences
Classification: Benign. Review status: criteria provided, single submitter. Criteria: ACMG Guidelines, 2015. Collection method: clinical testing. Allele origin: germline.

Women's Health and Genetics/Laboratory Corporation of America, LabCorp
Classification: Benign for Arrhythmogenic right ventricular cardiomyopathy. Last evaluated: 2011-11-18. Review status: no assertion criteria provided. Collection method: clinical testing. Allele origin: germline. Not counted in ClinVar's aggregate classification.

Clinical Genetics, Academic Medical Center
Classification: Benign. Review status: no assertion criteria provided. Collection method: clinical testing. Allele origin: germline. Affected: yes. Study: VKGL Data-share Consensus. Not counted in ClinVar's aggregate classification.

Diagnostic Laboratory, Department of Genetics, University Medical Center Groningen
Classification: Benign for Arrhythmogenic right ventricular dysplasia 11. Review status: no assertion criteria provided. Collection method: clinical testing. Allele origin: germline. Affected: yes. Study: VKGL Data-share Consensus. Not counted in ClinVar's aggregate classification.

Joint Genome Diagnostic Labs from Nijmegen and Maastricht, Radboudumc and MUMC+
Classification: Benign. Review status: no assertion criteria provided. Collection method: clinical testing. Allele origin: germline. Affected: yes. Study: VKGL Data-share Consensus. Not counted in ClinVar's aggregate classification.

Literature cited by the submitters: PubMed 18678517 (cited by Laboratory for Molecular Medicine, Mass General Brigham Personalized Medicine).

NM_024422.6(DSC2):c.2393G>A (p.Arg798Gln)

Gene: DSC2 (desmocollin 2; minus strand). Cytogenetic location: 18q12.1.
Variant type: single nucleotide variant.
Coding change: c.2393G>A on transcript NM_024422.6 (MANE Select); coding-DNA position 2393, G replaced by A.
Protein change: p.Arg798Gln; replaces arginine 798 with glutamine.
Molecular consequence: missense variant.
Genome position (GRCh38, 1-based): chr18:31,069,009, C>T on the plus strand (G>A on the coding strand, the complement: DSC2 is on the minus strand). VCF-style: chr18-31069009-C-T. GRCh37 (hg19) VCF-style: chr18-28648975-C-T.
Other names: c.2393G>A, p.Arg798Gln (NM_004949.5); short protein forms R798Q.
Identifiers: ClinVar variation 36006 (VCV000036006.34), dbSNP rs61731921, ClinGen allele CA022698.